The following is an entry in ClinVar:

NM_052947.4(ALPK2):c.2672C>T (p.Thr891Ile)

Gene: ALPK2 (alpha kinase 2; minus strand). Cytogenetic location: 18q21.31.
Variant type: single nucleotide variant.
Coding change: c.2672C>T on transcript NM_052947.4 (MANE Select); coding-DNA position 2672, C replaced by T.
Protein change: p.Thr891Ile; replaces threonine 891 with isoleucine.
Molecular consequence: missense variant.
Genome position (GRCh38, 1-based): chr18:58,537,515, G>A on the plus strand (C>T on the coding strand, the complement: ALPK2 is on the minus strand). VCF-style: chr18-58537515-G-A. GRCh37 (hg19) VCF-style: chr18-56204747-G-A.
Other names: short protein forms T891I.
Identifiers: ClinVar variation 3059247 (VCV003059247.2), dbSNP rs3826593, ClinGen allele CA8977031.

ClinVar aggregate classification (germline): Benign (0 of 4 stars; one submission).

Conditions:
ALPK2-related disorder. Also called: ALPK2-related condition.

Allele frequency attached by ClinVar (database versions not stated): 1000 Genomes Project 30x 0.79669; 1000 Genomes Project 0.79852; TOPMed 0.82713; ESP Exome Variant Server 0.84376; gnomAD 0.84452; ExAC 0.88007; gnomAD exomes 0.91822.
gnomAD v4.1: 1,468,374 of 1,612,938 alleles (91%); highest among the groups gnomAD compares: Non-Finnish European, 94%; 671,860 homozygotes.

Submission:

PreventionGenetics, part of Exact Sciences
Classification: Benign for ALPK2-related condition. Last evaluated: 2019-10-17. Review status: no assertion criteria provided. Collection method: clinical testing. Allele origin: germline.
Comment: This variant is classified as benign based on ACMG/AMP sequence variant interpretation guidelines (Richards et al. 2015 PMID: 25741868, with internal and published modifications).